The following is an entry in ClinVar:

NM_000138.5(FBN1):c.3055del (p.Ile1019fs)

Gene: FBN1 (fibrillin 1; minus strand). Cytogenetic location: 15q21.1.
Variant type: Deletion.
Coding change: c.3055del on transcript NM_000138.5 (MANE Select); coding-DNA position 3055, one base deleted (A; older notation c.3055delA).
Protein change: p.Ile1019fs; shifts the reading frame from isoleucine 1019.
Molecular consequence: frameshift variant.
Genome position (GRCh38, 1-based): chr15:48,489,878, T deleted on the plus strand (A on the coding strand, the reverse complement: FBN1 is on the minus strand); the first of 3 consecutive T bases (chr15:48,489,878-48,489,880); deleting any one gives the same sequence. VCF-style (leftmost placement, unchanged base first): chr15-48489877-AT-A. GRCh37 (hg19) VCF-style: chr15-48782074-AT-A.
Other names: c.3055del, p.Ile1019fs (NM_001406716.1); short protein forms I1019fs.
Identifiers: ClinVar variation 2941390 (VCV002941390.3), dbSNP rs2505557639, ClinGen allele CA2740096648.

ClinVar aggregate classification (germline): Pathogenic (1 of 4 stars; one submission).

Conditions:
Marfan syndrome (MFS). Also called: MARFAN SYNDROME, TYPE I; Marfan syndrome type 1; Marfan's syndrome; Marfan syndrome, classic; FBN1-Related Marfan Syndrome. Identifiers: Orphanet 284963, Orphanet 558, MedGen C0024796, MONDO:0007947, OMIM 154700.
Familial thoracic aortic aneurysm and aortic dissection (TAAD). Also called: Thoracic aortic aneurysms and dissections. Identifiers: Orphanet 91387, MedGen C4707243, MONDO:0019625.

Submission:

Labcorp Genetics (formerly Invitae), Labcorp
Classification: Pathogenic for Marfan syndrome; Familial thoracic aortic aneurysm and aortic dissection. Last evaluated: 2022-11-08. Review status: criteria provided, single submitter. Criteria: Invitae Variant Classification Sherloc (09022015). Collection method: clinical testing. Allele origin: germline.
Comment: This variant has not been reported in the literature in individuals affected with FBN1-related conditions. For these reasons, this variant has been classified as Pathogenic. This variant is not present in population databases (gnomAD no frequency). This sequence change creates a premature translational stop signal (p.Ile1019Leufs*16) in the FBN1 gene. It is expected to result in an absent or disrupted protein product. Loss-of-function variants in FBN1 are known to be pathogenic (PMID: 17657824, 19293843).

Literature cited by the submitters: PubMed 17657824; PubMed 19293843.